The following is an entry in ClinVar:

ClinVar aggregate classification (germline): Uncertain significance (1 of 4 stars; one submission).

Allele frequency attached by ClinVar (database versions not stated): gnomAD 0.00005; TOPMed 0.00006.

Submission:

Labcorp Genetics (formerly Invitae), Labcorp
Classification: Uncertain significance. Last evaluated: 2023-11-06. Review status: criteria provided, single submitter. Criteria: Invitae Variant Classification Sherloc (09022015). Collection method: clinical testing. Allele origin: germline.
Comment: This sequence change replaces methionine, which is neutral and non-polar, with valine, which is neutral and non-polar, at codon 111 of the ARL2BP protein (p.Met111Val). This variant is present in population databases (no rsID available, gnomAD 0.009%). This variant has not been reported in the literature in individuals affected with ARL2BP-related conditions. ClinVar contains an entry for this variant (Variation ID: 1941743). An algorithm developed to predict the effect of missense changes on protein structure and function (PolyPhen-2) suggests that this variant is likely to be tolerated. In summary, the available evidence is currently insufficient to determine the role of this variant in disease. Therefore, it has been classified as a Variant of Uncertain Significance.

NM_012106.4(ARL2BP):c.331A>G (p.Met111Val)

Gene: ARL2BP (ARF like GTPase 2 binding protein; plus strand). Cytogenetic location: 16q13.
Variant type: single nucleotide variant.
Coding change: c.331A>G on transcript NM_012106.4 (MANE Select); coding-DNA position 331, A replaced by G.
Protein change: p.Met111Val; replaces methionine 111 with valine.
Molecular consequence: missense variant.
Genome position (GRCh38, 1-based): chr16:57,250,448, A>G. VCF-style: chr16-57250448-A-G. GRCh37 (hg19) VCF-style: chr16-57284360-A-G.
Other names: short protein forms M111V.
Identifiers: ClinVar variation 1941743 (VCV001941743.5), dbSNP rs758528608, ClinGen allele CA396023438.
Genomic context (GRCh38, chr16:57,250,448, plus strand): 5'-ACAGCCATCTGTTCCGTTTGCAGGCACCATAAGGATGAAGTGGCTGGTGACATATTCGAC[A>G]TGCTGCTCACCTTCACAGATTTTCTGGCTTTTAAAGAAATGTTTTTGGACTACAGAGCAG-3'
Protein context (NP_036238.1, residues 101-121): KDEVAGDIFD[Met111Val]LLTFTDFLAF